The following is an entry in ClinVar:

NM_007294.4(BRCA1):c.80+2461C>T

Gene: BRCA1 (BRCA1 DNA repair associated; minus strand). Cytogenetic location: 17q21.31.
Variant type: single nucleotide variant.
Coding change: c.80+2461C>T on transcript NM_007294.4 (MANE Select); 2461 bases into the intron after coding-DNA position 80, C replaced by T.
Molecular consequence: intron variant. On other transcripts: splice donor variant (33).
Genome position (GRCh38, 1-based): chr17:43,121,556, G>A on the plus strand (C>T on the coding strand, the complement: BRCA1 is on the minus strand). VCF-style: chr17-43121556-G-A. GRCh37 (hg19) VCF-style: chr17-41273573-G-A.
Other names: c.-109+2461C>T (NM_001408507.1, NM_001408483.1, NM_001407886.1 and 46 more transcripts); c.80+2461C>T (NM_001408495.1, NM_001408448.1, NM_001408421.1 and 192 more transcripts); c.-178+2461C>T (NM_001407724.1, NM_001408468.1, NM_001407842.1 and 11 more transcripts); c.-206-2291C>T (NM_001407697.1, NM_001407846.1, NM_001407920.1); c.-62+2C>T (NM_001407838.1, NM_001408410.1, NM_001407741.1 and 25 more transcripts); c.-61-5777C>T (NM_001408458.1); c.-219+3721C>T (NM_001407967.1); c.-170+3721C>T (NM_001407959.1); and 22 more.
Identifiers: ClinVar variation 2450673 (VCV002450673.3), dbSNP rs2552275372, ClinGen allele CA2580093891.

ClinVar aggregate classification (germline): Uncertain significance (1 of 4 stars; one submission).

Conditions:
Hereditary cancer-predisposing syndrome. Also called: Neoplastic Syndromes, Hereditary; Tumor predisposition; Hereditary neoplastic syndrome; Hereditary Cancer Syndrome. Identifiers: Orphanet 140162, MedGen C0027672, MeSH D009386, MONDO:0015356.

Submission:

Ambry Genetics
Classification: Uncertain significance for Hereditary cancer-predisposing syndrome. Last evaluated: 2025-07-16. Review status: criteria provided, single submitter. Criteria: Ambry Variant Classification Scheme 2023. Collection method: clinical testing. Allele origin: germline.
Comment: The c.80+2461C>T intronic variant results from a C to T substitution 2461 nucleotides after coding exon 1 in the BRCA1 gene. This nucleotide position is well conserved in available vertebrate species. In silico splice site analysis predicts that this alteration will result in the creation or strengthening of a novel splice donor site. RNA studies have demonstrated that this alteration results in a splice defect; the clinical impact of this abnormal splicing is unknown at this time (Ambry internal data). Since supporting evidence is limited at this time, the clinical significance of this alteration remains unclear.